The following is an entry in ClinVar:

ClinVar aggregate classification (germline): Uncertain significance (1 of 4 stars; one submission).

gnomAD v4.1: 10 of 1,612,908 alleles (0.00062%); highest among the groups gnomAD compares: Admixed American, 0.0083%; no homozygotes.

Submission:

GeneDx
Classification: Uncertain significance. Last evaluated: 2024-05-13. Review status: criteria provided, single submitter. Criteria: GeneDx Variant Classification Process June 2021. Collection method: clinical testing. Allele origin: germline. Affected: yes.
Comment: In silico analysis indicates that this missense variant does not alter protein structure/function; Has not been previously published as pathogenic or benign to our knowledge

NM_006618.5(KDM5B):c.2992G>A (p.Glu998Lys)

Gene: KDM5B (lysine demethylase 5B; minus strand). Cytogenetic location: 1q32.1.
Variant type: single nucleotide variant.
Coding change: c.2992G>A on transcript NM_006618.5 (MANE Select); coding-DNA position 2992, G replaced by A.
Protein change: p.Glu998Lys; replaces glutamic acid 998 with lysine.
Molecular consequence: missense variant.
Genome position (GRCh38, 1-based): chr1:202,740,766, C>T on the plus strand (G>A on the coding strand, the complement: KDM5B is on the minus strand). VCF-style: chr1-202740766-C-T. GRCh37 (hg19) VCF-style: chr1-202709894-C-T.
Other names: c.3100G>A, p.Glu1034Lys (NM_001314042.2); c.2857G>A, p.Glu953Lys (NM_001347591.2); c.2977G>A, p.Glu993Lys (NM_001399817.1); short protein forms E1034K, E953K, E993K, E998K.
Identifiers: ClinVar variation 3378257 (VCV003378257.1).